The following is an entry in ClinVar:

NM_001079668.3(NKX2-1):c.428G>A (p.Trp143Ter)

Genes: NKX2-1 (NK2 homeobox 1; minus strand), SFTA3 (surfactant associated 3; minus strand). Cytogenetic location: 14q13.3.
Variant type: single nucleotide variant.
Coding change: c.428G>A on transcript NM_001079668.3 (MANE Select); coding-DNA position 428, G replaced by A.
Protein change: p.Trp143Ter; replaces tryptophan 143 with a stop codon.
Molecular consequence: nonsense.
Genome position (GRCh38, 1-based): chr14:36,519,020, C>T on the plus strand (G>A on the coding strand, the complement: NKX2-1 is on the minus strand). VCF-style: chr14-36519020-C-T. GRCh37 (hg19) VCF-style: chr14-36988225-C-T.
Other names: c.338G>A, p.Trp113Ter (NM_003317.4); short protein forms W143*, W113*.
Identifiers: ClinVar variation 4710131 (VCV004710131.1).

ClinVar aggregate classification (germline): Pathogenic (1 of 4 stars; one submission).

Submission:

Labcorp Genetics (formerly Invitae), Labcorp
Classification: Pathogenic. Last evaluated: 2025-04-01. Review status: criteria provided, single submitter. Criteria: Invitae Variant Classification Sherloc (09022015). Collection method: clinical testing. Allele origin: germline.
Comment: This sequence change creates a premature translational stop signal (p.Trp143*) in the NKX2-1 gene. While this is not anticipated to result in nonsense mediated decay, it is expected to disrupt the last 259 amino acid(s) of the NKX2-1 protein. This variant is not present in population databases (gnomAD no frequency). This premature translational stop signal has been observed in individuals with NKX2-1-related conditions (PMID: 24171694, 24714694, 30186310). This variant is also known as c.338G>A (p.Trp113X). This variant disrupts a region of the NKX2-1 protein in which other variant(s) (p.Gln356*) have been determined to be pathogenic (internal data). This suggests that this is a clinically significant region of the protein, and that variants that disrupt it are likely to be disease-causing. For these reasons, this variant has been classified as Pathogenic.

Literature cited by the submitters: PubMed 24171694; PubMed 24714694; PubMed 30186310.